The following is an entry in ClinVar:

NM_006502.3(POLH):c.545A>G (p.Asn182Ser)

Gene: POLH (DNA polymerase eta; plus strand). Cytogenetic location: 6p21.1.
Variant type: single nucleotide variant.
Coding change: c.545A>G on transcript NM_006502.3 (MANE Select); coding-DNA position 545, A replaced by G.
Protein change: p.Asn182Ser; replaces asparagine 182 with serine.
Molecular consequence: missense variant.
Genome position (GRCh38, 1-based): chr6:43,597,750, A>G. VCF-style: chr6-43597750-A-G. GRCh37 (hg19) VCF-style: chr6-43565487-A-G.
Other names: c.173A>G, p.Asn58Ser (NM_001291969.2); c.545A>G, p.Asn182Ser (NM_001291970.2); short protein forms N182S, N58S.
Identifiers: ClinVar variation 1306276 (VCV001306276.4), dbSNP rs2127794923, ClinGen allele CA364280555.

ClinVar aggregate classification (germline): Uncertain significance (1 of 4 stars; one submission).

Submission:

GeneDx
Classification: Uncertain significance. Last evaluated: 2019-05-28. Review status: criteria provided, single submitter. Criteria: GeneDx Variant Classification Process June 2021. Collection method: clinical testing. Allele origin: germline. Affected: yes.
Comment: Not observed in large population cohorts (Lek et al., 2016); In silico analysis, which includes protein predictors and evolutionary conservation, supports that this variant does not alter protein structure/function; Has not been previously published as pathogenic or benign to our knowledge